The following is an entry in ClinVar:

NM_000210.4(ITGA6):c.1744A>G (p.Ile582Val)

Genes: ITGA6 (integrin subunit alpha 6; plus strand), PDK1-AS1 (PDK1 and ITGA6 antisense RNA 1; minus strand). Cytogenetic location: 2q31.1.
Variant type: single nucleotide variant.
Coding change: c.1744A>G on transcript NM_000210.4 (MANE Select); coding-DNA position 1744, A replaced by G.
Protein change: p.Ile582Val; replaces isoleucine 582 with valine.
Molecular consequence: missense variant.
Genome position (GRCh38, 1-based): chr2:172,485,154, A>G. VCF-style: chr2-172485154-A-G. GRCh37 (hg19) VCF-style: chr2-173349882-A-G.
Other names: c.1744A>G, p.Ile582Val (NM_001079818.3, NM_001365529.2, NM_001365530.2); c.1387A>G, p.Ile463Val (NM_001316306.2); short protein forms I582V, I463V.
Identifiers: ClinVar variation 332366 (VCV000332366.14), dbSNP rs16860530, ClinGen allele CA1968212.

ClinVar aggregate classification (germline): Benign. Review status: criteria provided, multiple submitters, no conflicts (2 of 4 stars). 2 submissions from 2 submitters: Benign (2). Last evaluated 2026-01-26.

Conditions:
Junctional epidermolysis bullosa with pyloric atresia. Also called: ITGB4-Related Epidermolysis Bullosa with Pyloric Atresia; ITGA6-Related Epidermolysis Bullosa with Pyloric Atresia; EPIDERMOLYSIS BULLOSA, JUNCTIONAL 5B, WITH PYLORIC ATRESIA; APLASIA CUTIS CONGENITA WITH GASTROINTESTINAL ATRESIA; CARMI SYNDROME; EB-PA-ACC. Identifiers: Orphanet 79403, MedGen C5676875, MONDO:0009183, OMIM 226730.

Allele frequency attached by ClinVar (database versions not stated): gnomAD exomes 0.00034 and 0.00131; ExAC 0.00152; gnomAD 0.00409 and 0.00428; TOPMed 0.00469; ESP Exome Variant Server 0.00500; 1000 Genomes Project 0.00619; 1000 Genomes Project 30x 0.00703.
gnomAD v4.1: 1,143 of 1,614,024 alleles (0.071%); highest among the groups gnomAD compares: African/African-American, 1.3%; 6 homozygotes.

Submissions (2):

Labcorp Genetics (formerly Invitae), Labcorp
Classification: Benign. Last evaluated: 2026-01-26. Review status: criteria provided, single submitter. Criteria: Invitae Variant Classification Sherloc (09022015). Collection method: clinical testing. Allele origin: germline.

Illumina Laboratory Services, Illumina
Classification: Benign for Junctional epidermolysis bullosa with pyloric atresia. Last evaluated: 2018-01-12. Review status: criteria provided, single submitter. Criteria: ICSL Variant Classification Criteria 13 December 2019. Collection method: clinical testing. Allele origin: germline.
Comment: This variant was observed in the ICSL laboratory as part of a predisposition screen in an ostensibly healthy population. It had not been previously curated by ICSL or reported in the Human Gene Mutation Database (HGMD: prior to June 1st, 2018), and was therefore a candidate for classification through an automated scoring system. Utilizing variant allele frequency, disease prevalence and penetrance estimates, and inheritance mode, an automated score was calculated to assess if this variant is too frequent to cause the disease. Based on the score and internal cut-off values, a variant classified as benign is not then subjected to further curation. The score for this variant resulted in a classification of benign for this disease.